The following is an entry in ClinVar:

ClinVar aggregate classification (germline): Conflicting classifications of pathogenicity. Review status: criteria provided, conflicting classifications (1 of 4 stars). 2 submissions from 2 submitters: Uncertain significance (1); Likely benign (1). Last evaluated 2026-01-19.

Conditions:
DEAF1-related disorder.

Allele frequency attached by ClinVar (database versions not stated): gnomAD exomes 0.00002 and 0.00004; gnomAD 0.00004; ExAC 0.00005; TOPMed 0.00006; ESP Exome Variant Server 0.00008.
gnomAD v4.1: 39 of 1,613,644 alleles (0.0024%); highest among the groups gnomAD compares: South Asian, 0.015%; no homozygotes.

Submissions (2):

Labcorp Genetics (formerly Invitae), Labcorp
Classification: Likely benign. Last evaluated: 2026-01-19. Review status: criteria provided, single submitter. Criteria: Invitae Variant Classification Sherloc (09022015). Collection method: clinical testing. Allele origin: germline.

PreventionGenetics, part of Exact Sciences
Classification: Uncertain significance for DEAF1-related condition. Last evaluated: 2025-09-03. Review status: criteria provided, single submitter. Criteria: ACMG Guidelines, 2015. Collection method: clinical testing. Allele origin: germline.
Comment: The DEAF1 c.1014G>A variant is not predicted to result in an amino acid change (p.=). This variant is predicted to activate a cryptic splice acceptor site, however such predictions are not equivalent to functional evidence (SpliceAI, Jaganathan et al. 2019. PubMed ID: 30661751). To our knowledge, this variant has not been reported in the literature. This variant is reported in 0.013% of alleles in individuals of South Asian descent in gnomAD. At this time, the clinical significance of this variant is uncertain due to the absence of conclusive functional and genetic evidence.

NM_021008.4(DEAF1):c.1014G>A (p.Ser338=)

Gene: DEAF1 (DEAF1 transcription factor; minus strand). Cytogenetic location: 11p15.5.
Variant type: single nucleotide variant.
Coding change: c.1014G>A on transcript NM_021008.4 (MANE Select); coding-DNA position 1014, G replaced by A.
Protein change: p.Ser338=; no amino-acid change (serine 338 retained).
Molecular consequence: synonymous variant.
Genome position (GRCh38, 1-based): chr11:679,800, C>T on the plus strand (G>A on the coding strand, the complement: DEAF1 is on the minus strand). VCF-style: chr11-679800-C-T. GRCh37 (hg19) VCF-style: chr11-679800-C-T.
Other names: c.747G>A, p.Ser249= (NM_001293634.2); c.288G>A, p.Ser96= (NM_001367390.1); c.1014G>A (NM_021008.3).
Identifiers: ClinVar variation 1444986 (VCV001444986.9), dbSNP rs138708107, ClinGen allele CA5786346.
Genomic context (GRCh38, chr11:679,800, plus strand): 5'-AGTGGCCTCTACCGTGGACGCTCGGTCAAAGGTCAGTGCCCCCGAGGTCGTGATCTGTCC[C>T]GAGGGGGTCACGGTGACTGGAAAGGCAGAAGCACATTTCACGCGGCCAGGCAGTGGCGCC-3'
Protein context (NP_066288.2, residues 328-348): TAATTFTVTP[Ser338=]GQITTSGALT